The following is an entry in ClinVar:

ClinVar aggregate classification (germline): Uncertain significance (1 of 4 stars; one submission).

Allele frequency attached by ClinVar (database versions not stated): gnomAD 0.00001; TOPMed 0.00001.

Submission:

Labcorp Genetics (formerly Invitae), Labcorp
Classification: Uncertain significance. Last evaluated: 2020-11-23. Review status: criteria provided, single submitter. Criteria: Invitae Variant Classification Sherloc (09022015). Collection method: clinical testing. Allele origin: germline.
Comment: This sequence change replaces methionine with isoleucine at codon 1288 of the COL4A3 protein (p.Met1288Ile). The methionine residue is weakly conserved and there is a small physicochemical difference between methionine and isoleucine. This variant is not present in population databases (ExAC no frequency). This variant has not been reported in the literature in individuals with COL4A3-related conditions. Advanced modeling of protein sequence and biophysical properties (such as structural, functional, and spatial information, amino acid conservation, physicochemical variation, residue mobility, and thermodynamic stability) performed at Invitae indicates that this missense variant is not expected to disrupt COL4A3 protein function. In summary, the available evidence is currently insufficient to determine the role of this variant in disease. Therefore, it has been classified as a Variant of Uncertain Significance.

NM_000091.5(COL4A3):c.3864G>C (p.Met1288Ile)

Genes: COL4A3 (collagen type IV alpha 3 chain; plus strand), MFF-DT (MFF divergent transcript; minus strand). Cytogenetic location: 2q36.3.
Variant type: single nucleotide variant.
Coding change: c.3864G>C on transcript NM_000091.5 (MANE Select); coding-DNA position 3864, G replaced by C.
Protein change: p.Met1288Ile; replaces methionine 1288 with isoleucine.
Molecular consequence: missense variant.
Genome position (GRCh38, 1-based): chr2:227,298,794, G>C. VCF-style: chr2-227298794-G-C. GRCh37 (hg19) VCF-style: chr2-228163510-G-C.
Other names: short protein forms M1288I.
Identifiers: ClinVar variation 1988454 (VCV001988454.1), dbSNP rs1194331336, ClinGen allele CA350861398.
Genomic context (GRCh38, chr2:227,298,794, plus strand): 5'-AGACAAAGGGTCTATGGGCCACCCTGGCCCAAAAGGTCCACCTGGAACTGCAGGAGACAT[G>C]GGACCACCAGGTCGTCTGGTGAGTATGGATAATTATTTTGACTCATTATTAATTCAATAT-3'
Protein context (NP_000082.2, residues 1278-1298): PKGPPGTAGD[Met1288Ile]GPPGRLGAPG